The following is an entry in ClinVar:

NM_003140.3(SRY):c.272G>A (p.Ser91Asn)

Gene: SRY (sex determining region Y; minus strand). Cytogenetic location: Yp11.2.
Variant type: single nucleotide variant.
Coding change: c.272G>A on transcript NM_003140.3 (MANE Select); coding-DNA position 272, G replaced by A.
Protein change: p.Ser91Asn; replaces serine 91 with asparagine.
Molecular consequence: missense variant.
Genome position (GRCh38, 1-based): chrY:2,787,332, C>T on the plus strand (G>A on the coding strand, the complement: SRY is on the minus strand). VCF-style: chrY-2787332-C-T. GRCh37 (hg19) VCF-style: chrY-2655373-C-T.
Other names: short protein forms S91N.
Identifiers: ClinVar variation 2842353 (VCV002842353.3), dbSNP rs2124486144, ClinGen allele CA414941405.

ClinVar aggregate classification (germline): Uncertain significance (1 of 4 stars; one submission).

Conditions:
46,XY sex reversal 1. Also called: SRY-related 46,XY complete gonadal dysgenesis; 46,XY SEX REVERSAL, SRY-RELATED. Identifiers: Orphanet 242, MedGen C2748896, MONDO:0020712, OMIM 400044.

Submission:

Labcorp Genetics (formerly Invitae), Labcorp
Classification: Uncertain significance for 46,XY sex reversal 1. Last evaluated: 2023-03-02. Review status: criteria provided, single submitter. Criteria: Invitae Variant Classification Sherloc (09022015). Collection method: clinical testing. Allele origin: germline.
Comment: This sequence change replaces serine, which is neutral and polar, with asparagine, which is neutral and polar, at codon 91 of the SRY protein (p.Ser91Asn). The frequency data for this variant in the population databases is considered unreliable, as metrics indicate insufficient coverage at this position in the gnomAD database. This missense change has been observed in individual(s) with clinical features of 46XY sex reversal (Invitae). An algorithm developed to predict the effect of missense changes on protein structure and function (PolyPhen-2) suggests that this variant is likely to be disruptive. This variant disrupts the p.Ser91 amino acid residue in SRY. Other variant(s) that disrupt this residue have been observed in individuals with SRY-related conditions (PMID: 7717397), which suggests that this may be a clinically significant amino acid residue. In summary, the available evidence is currently insufficient to determine the role of this variant in disease. Therefore, it has been classified as a Variant of Uncertain Significance.

Literature cited by the submitters: PubMed 7717397.